The following is an entry in ClinVar:

NM_152564.5(VPS13B):c.483del (p.Lys161fs)

Gene: VPS13B (vacuolar protein sorting 13 homolog B; plus strand). Cytogenetic location: 8q22.2.
Variant type: Deletion.
Coding change: c.483del on transcript NM_152564.5 (MANE Select); coding-DNA position 483, one base deleted (A; older notation c.483delA).
Protein change: p.Lys161fs; shifts the reading frame from lysine 161.
Molecular consequence: frameshift variant. On other transcripts: non-coding transcript variant (1).
Genome position (GRCh38, 1-based): chr8:99,103,023, A deleted; the last of 4 consecutive A bases (chr8:99,103,020-99,103,023); deleting any one gives the same sequence. VCF-style (leftmost placement, unchanged base first): chr8-99103019-TA-T. GRCh37 (hg19) VCF-style: chr8-100115247-TA-T.
Other names: c.483del, p.Lys161fs (NM_015243.3, NM_017890.5, NM_181661.3); short protein forms K161fs.
Identifiers: ClinVar variation 1459970 (VCV001459970.6), dbSNP rs2132453991, ClinGen allele CA2573143548.

ClinVar aggregate classification (germline): Pathogenic (1 of 4 stars; one submission).

Conditions:
Cohen syndrome (COH1). Also called: PEPPER SYNDROME; Cutis verticis gyrata, retinitis pigmentosa, and sensorineural deafness. Identifiers: Orphanet 193, MedGen C0265223, MONDO:0008999, OMIM 216550.

Submission:

Labcorp Genetics (formerly Invitae), Labcorp
Classification: Pathogenic for Cohen syndrome. Last evaluated: 2021-07-31. Review status: criteria provided, single submitter. Criteria: Invitae Variant Classification Sherloc (09022015). Collection method: clinical testing. Allele origin: germline.
Comment: For these reasons, this variant has been classified as Pathogenic. This variant has not been reported in the literature in individuals affected with VPS13B-related conditions. This variant is not present in population databases (ExAC no frequency). This sequence change creates a premature translational stop signal (p.Lys161Asnfs*21) in the VPS13B gene. It is expected to result in an absent or disrupted protein product. Loss-of-function variants in VPS13B are known to be pathogenic (PMID: 15141358, 16648375, 20461111).

Literature cited by the submitters: PubMed 15141358; PubMed 16648375; PubMed 20461111.